The following is an entry in ClinVar:

ClinVar aggregate classification (germline): Uncertain significance. Review status: criteria provided, single submitter (1 of 4 stars). 2 submissions from 2 submitters: Uncertain significance (1). 1 of the submissions does not count toward it. Last evaluated 2026-01-13.

Conditions:
Usher syndrome type 1F (USH1F). Also called: USHER SYNDROME, TYPE IF. Identifiers: Orphanet 231169, Orphanet 886, MedGen C1865885, MONDO:0011186, OMIM 602083.

Submissions (2):

Women's Health and Genetics/Laboratory Corporation of America, LabCorp
Classification: Uncertain significance. Last evaluated: 2026-01-13. Review status: criteria provided, single submitter. Criteria: LabCorp Variant Classification Summary - May 2015. Collection method: clinical testing. Allele origin: germline.
Comment: Variant summary: PCDH15 c.5308G>A (p.Asp1770Asn) results in a conservative amino acid change in the encoded protein sequence. Algorithms developed to predict the effect of missense changes on protein structure and function all suggest that this variant is likely to be tolerated. The variant was absent in 193122 control chromosomes. The available data on variant occurrences in the general population are insufficient to allow any conclusion about variant significance. To our knowledge, no occurrence of c.5308G>A in individuals affected with PCDH15-related conditions and no experimental evidence demonstrating its impact on protein function have been reported. ClinVar contains an entry for this variant (Variation ID: 4059371). Based on the evidence outlined above, the variant was classified as uncertain significance.

Natera, Inc.
Classification: Uncertain significance for Usher syndrome type 1F. Last evaluated: 2025-04-18. Review status: no assertion criteria provided. Collection method: clinical testing. Allele origin: germline. Not counted in ClinVar's aggregate classification.

NM_033056.4(PCDH15):c.5308G>A (p.Asp1770Asn)

Gene: PCDH15 (protocadherin related 15; minus strand). Cytogenetic location: 10q21.1.
Variant type: single nucleotide variant.
Coding change: c.5308G>A on transcript NM_033056.4 (MANE Plus Clinical); coding-DNA position 5308, G replaced by A.
Protein change: p.Asp1770Asn; replaces aspartic acid 1770 with asparagine.
Molecular consequence: missense variant. On other transcripts: intron variant (8).
Genome position (GRCh38, 1-based): chr10:53,822,418, C>T on the plus strand (G>A on the coding strand, the complement: PCDH15 is on the minus strand). VCF-style: chr10-53822418-C-T. GRCh37 (hg19) VCF-style: chr10-55582178-C-T.
Other names: c.5329G>A, p.Asp1777Asn (NM_001142763.2); c.5314G>A, p.Asp1772Asn (NM_001142764.2); c.5101G>A, p.Asp1701Asn (NM_001142765.2); c.5299G>A, p.Asp1767Asn (NM_001142766.2); c.5188G>A, p.Asp1730Asn (NM_001142767.2); c.5248G>A, p.Asp1750Asn (NM_001142768.2); c.5239G>A, p.Asp1747Asn (NM_001142773.2); c.5242G>A, p.Asp1748Asn (NM_001354404.2); and 7 more; short protein forms D1701N, D1730N, D1747N, D1748N, D1750N, D1767N, D1770N, D1772N.
Identifiers: ClinVar variation 4059371 (VCV004059371.2).